The following is an entry in ClinVar:

NM_000485.3(APRT):c.321G>A (p.Lys107=)

Gene: APRT (adenine phosphoribosyltransferase; minus strand). Cytogenetic location: 16q24.3.
Variant type: single nucleotide variant.
Coding change: c.321G>A on transcript NM_000485.3 (MANE Select); coding-DNA position 321, G replaced by A.
Protein change: p.Lys107=; no amino-acid change (lysine 107 retained).
Molecular consequence: synonymous variant.
Genome position (GRCh38, 1-based): chr16:88,810,423, C>T on the plus strand (G>A on the coding strand, the complement: APRT is on the minus strand). VCF-style: chr16-88810423-C-T. GRCh37 (hg19) VCF-style: chr16-88876831-C-T.
Other names: c.321G>A, p.Lys107= (NM_001030018.2).
Identifiers: ClinVar variation 3014671 (VCV003014671.2), dbSNP rs368062984, ClinGen allele CA8234477.
Genomic context (GRCh38, chr16:88,810,423, plus strand): 5'-GGGGAGAGTGGCCACGGTGGCCTGGCCCTGCCCTTCCTCTGGCCACCCCAGCCCTCTTAC[C>T]TTCCCGTACTCCAGGGAATAGGAGGCCCACAGAGTGGGGCCTGGCAGCTTCCCCCGCTTT-3'
Protein context (NP_000476.1, residues 97-117): LWASYSLEYG[Lys107=]AELEIQKDAL

ClinVar aggregate classification (germline): Uncertain significance. Review status: criteria provided, multiple submitters, no conflicts (2 of 4 stars). 2 submissions from 2 submitters: Uncertain significance (2). Last evaluated 2024-04-11.

Conditions:
Adenine phosphoribosyltransferase deficiency (APRTD). Also called: APRT DEFICIENCY; NEPHROLITHIASIS, DHA; Urolithiasis, dha; 2,8-dihydroxyadenine urolithiasis. Identifiers: Orphanet 976, MedGen C0268120, MONDO:0013869, OMIM 614723.

Allele frequency attached by ClinVar (database versions not stated): ExAC 0.00003; gnomAD 0.00003; TOPMed 0.00007; ESP Exome Variant Server 0.00008.

Submissions (2):

Fulgent Genetics
Classification: Uncertain significance for Adenine phosphoribosyltransferase deficiency. Last evaluated: 2024-04-11. Review status: criteria provided, single submitter. Criteria: ACMG Guidelines, 2015. Collection method: clinical testing. Allele origin: germline.

Labcorp Genetics (formerly Invitae), Labcorp
Classification: Uncertain significance. Last evaluated: 2023-08-19. Review status: criteria provided, single submitter. Criteria: Invitae Variant Classification Sherloc (09022015). Collection method: clinical testing. Allele origin: germline.
Comment: This sequence change affects codon 107 of the APRT mRNA. It is a 'silent' change, meaning that it does not change the encoded amino acid sequence of the APRT protein. This variant also falls at the last nucleotide of exon 3, which is part of the consensus splice site for this exon. This variant is present in population databases (rs368062984, gnomAD 0.008%). This variant has not been reported in the literature in individuals affected with APRT-related conditions. Variants that disrupt the consensus splice site are a relatively common cause of aberrant splicing (PMID: 17576681, 9536098). Algorithms developed to predict the effect of sequence changes on RNA splicing suggest that this variant may disrupt the consensus splice site. In summary, the available evidence is currently insufficient to determine the role of this variant in disease. Therefore, it has been classified as a Variant of Uncertain Significance.

Literature cited by the submitters: PubMed 17576681 (cited by Labcorp Genetics (formerly Invitae), Labcorp); PubMed 9536098 (cited by Labcorp Genetics (formerly Invitae), Labcorp).